The following is an entry in ClinVar:

NM_012268.4(PLD3):c.1412C>G (p.Pro471Arg)

Gene: PLD3 (phospholipase D family member 3; plus strand). Cytogenetic location: 19q13.2.
Variant type: single nucleotide variant.
Coding change: c.1412C>G on transcript NM_012268.4 (MANE Select); coding-DNA position 1412, C replaced by G.
Protein change: p.Pro471Arg; replaces proline 471 with arginine.
Molecular consequence: missense variant.
Genome position (GRCh38, 1-based): chr19:40,378,112, C>G. VCF-style: chr19-40378112-C-G. GRCh37 (hg19) VCF-style: chr19-40884019-C-G.
Other names: c.1412C>G, p.Pro471Arg (NM_001031696.4, NM_001291311.2); short protein forms P471R.
Identifiers: ClinVar variation 3728796 (VCV003728796.2).

ClinVar aggregate classification (germline): Uncertain significance (1 of 4 stars; one submission).

gnomAD v4.1: 1 of 1,614,006 alleles (0.000062%); no homozygotes.

Submission:

Labcorp Genetics (formerly Invitae), Labcorp
Classification: Uncertain significance. Last evaluated: 2025-02-13. Review status: criteria provided, single submitter. Criteria: Invitae Variant Classification Sherloc (09022015). Collection method: clinical testing. Allele origin: germline.
Comment: This sequence change replaces proline, which is neutral and non-polar, with arginine, which is basic and polar, at codon 471 of the PLD3 protein (p.Pro471Arg). This variant is present in population databases (no rsID available, gnomAD 0.004%). This variant has not been reported in the literature in individuals affected with PLD3-related conditions. An algorithm developed to predict the effect of missense changes on protein structure and function (PolyPhen-2) suggests that this variant is likely to be tolerated. In summary, the available evidence is currently insufficient to determine the role of this variant in disease. Therefore, it has been classified as a Variant of Uncertain Significance.